The following is an entry in ClinVar:

ClinVar aggregate classification (germline): Benign. Review status: criteria provided, multiple submitters, no conflicts (2 of 4 stars). 3 submissions from 3 submitters: Benign (2). 1 of the submissions does not count toward it. Last evaluated 2026-01-27.

Conditions:
ADAMTS9-related disorder. Also called: ADAMTS9-related condition.

Allele frequency attached by ClinVar (database versions not stated): ESP Exome Variant Server 0.00354; gnomAD 0.00444 and 0.00483; TOPMed 0.00471; gnomAD exomes 0.00587 and 0.00616; 1000 Genomes Project 0.00619; 1000 Genomes Project 30x 0.00625; ExAC 0.00678.
gnomAD v4.1: 9,354 of 1,613,974 alleles (0.58%); highest among the groups gnomAD compares: Middle Eastern, 2.5%; 66 homozygotes.

Submissions (3):

Labcorp Genetics (formerly Invitae), Labcorp
Classification: Benign. Last evaluated: 2026-01-27. Review status: criteria provided, single submitter. Criteria: Invitae Variant Classification Sherloc (09022015). Collection method: clinical testing. Allele origin: germline.

Breakthrough Genomics
Classification: Benign. Review status: criteria provided, single submitter. Criteria: ACMG Guidelines, 2015. Collection method: not provided. Allele origin: germline. Inheritance: Unknown mechanism. Affected: yes.

PreventionGenetics, part of Exact Sciences
Classification: Benign for ADAMTS9-related condition. Last evaluated: 2019-05-08. Review status: no assertion criteria provided. Collection method: clinical testing. Allele origin: germline. Not counted in ClinVar's aggregate classification.
Comment: This variant is classified as benign based on ACMG/AMP sequence variant interpretation guidelines (Richards et al. 2015 PMID: 25741868, with internal and published modifications).

NM_182920.2(ADAMTS9):c.3780C>T (p.Thr1260=)

Gene: ADAMTS9 (ADAM metallopeptidase with thrombospondin type 1 motif 9; minus strand). Cytogenetic location: 3p14.1.
Variant type: single nucleotide variant.
Coding change: c.3780C>T on transcript NM_182920.2 (MANE Select); coding-DNA position 3780, C replaced by T.
Protein change: p.Thr1260=; no amino-acid change (threonine 1260 retained).
Molecular consequence: synonymous variant.
Genome position (GRCh38, 1-based): chr3:64,602,181, G>A on the plus strand (C>T on the coding strand, the complement: ADAMTS9 is on the minus strand). VCF-style: chr3-64602181-G-A. GRCh37 (hg19) VCF-style: chr3-64587857-G-A.
Other names: c.3696C>T, p.Thr1232= (NM_001318781.2).
Identifiers: ClinVar variation 781711 (VCV000781711.11), dbSNP rs61754852, ClinGen allele CA2480719.